The following is an entry in ClinVar:

ClinVar aggregate classification (germline): Uncertain significance (1 of 4 stars; one submission).

gnomAD v4.1: 5 of 1,612,206 alleles (0.00031%); highest among the groups gnomAD compares: Non-Finnish European, 0.00042%; no homozygotes.

Submission:

GeneDx
Classification: Uncertain significance. Last evaluated: 2025-01-24. Review status: criteria provided, single submitter. Criteria: GeneDx Variant Classification Process June 2021. Collection method: clinical testing. Allele origin: germline. Affected: yes.
Comment: Not observed at significant frequency in large population cohorts (gnomAD); In silico analysis indicates that this missense variant does not alter protein structure/function; Has not been previously published as pathogenic or benign to our knowledge

NM_001378454.1(ALMS1):c.8384G>A (p.Ser2795Asn)

Gene: ALMS1 (ALMS1 centrosome and basal body associated protein; plus strand). Cytogenetic location: 2p13.1.
Variant type: single nucleotide variant.
Coding change: c.8384G>A on transcript NM_001378454.1 (MANE Select); coding-DNA position 8384, G replaced by A.
Protein change: p.Ser2795Asn; replaces serine 2795 with asparagine.
Molecular consequence: missense variant.
Genome position (GRCh38, 1-based): chr2:73,490,343, G>A. VCF-style: chr2-73490343-G-A. GRCh37 (hg19) VCF-style: chr2-73717470-G-A.
Other names: c.8387G>A, p.Ser2796Asn (NM_015120.4); short protein forms S2795N, S2796N.
Identifiers: ClinVar variation 4071560 (VCV004071560.1).